The following is an entry in ClinVar:

NM_170601.5(SIAE):c.107T>C (p.Met36Thr)

Gene: SIAE (sialic acid acetylesterase; minus strand). Cytogenetic location: 11q24.2.
Variant type: single nucleotide variant.
Coding change: c.107T>C on transcript NM_170601.5 (MANE Select); coding-DNA position 107, T replaced by C.
Protein change: p.Met36Thr; replaces methionine 36 with threonine.
Molecular consequence: missense variant. On other transcripts: initiator codon variant (1).
Genome position (GRCh38, 1-based): chr11:124,669,482, A>G on the plus strand (T>C on the coding strand, the complement: SIAE is on the minus strand). VCF-style: chr11-124669482-A-G. GRCh37 (hg19) VCF-style: chr11-124539378-A-G.
Other names: c.2T>C, p.Met1Thr (NM_001199922.2); short protein forms M1T, M36T.
Identifiers: ClinVar variation 1369358 (VCV001369358.6), dbSNP rs750164313, ClinGen allele CA6341656.

ClinVar aggregate classification (germline): Uncertain significance (1 of 4 stars; one submission).

Allele frequency attached by ClinVar (database versions not stated): gnomAD 0.00001; gnomAD exomes 0.00001; TOPMed 0.00001; ExAC 0.00002.
gnomAD v4.1: 9 of 1,614,076 alleles (0.00056%); highest among the groups gnomAD compares: South Asian, 0.0066%; no homozygotes.

Submission:

Labcorp Genetics (formerly Invitae), Labcorp
Classification: Uncertain significance. Last evaluated: 2023-12-11. Review status: criteria provided, single submitter. Criteria: Invitae Variant Classification Sherloc (09022015). Collection method: clinical testing. Allele origin: germline.
Comment: This sequence change replaces methionine, which is neutral and non-polar, with threonine, which is neutral and polar, at codon 36 of the SIAE protein (p.Met36Thr). This variant is present in population databases (rs750164313, gnomAD 0.006%). This variant has not been reported in the literature in individuals affected with SIAE-related conditions. ClinVar contains an entry for this variant (Variation ID: 1369358). An algorithm developed to predict the effect of missense changes on protein structure and function (PolyPhen-2) suggests that this variant is likely to be disruptive. In summary, the available evidence is currently insufficient to determine the role of this variant in disease. Therefore, it has been classified as a Variant of Uncertain Significance.